The following is an entry in ClinVar:

NM_004104.5(FASN):c.5603C>T (p.Ala1868Val)

Gene: FASN (fatty acid synthase; minus strand). Cytogenetic location: 17q25.3.
Variant type: single nucleotide variant.
Coding change: c.5603C>T on transcript NM_004104.5 (MANE Select); coding-DNA position 5603, C replaced by T.
Protein change: p.Ala1868Val; replaces alanine 1868 with valine.
Molecular consequence: missense variant.
Genome position (GRCh38, 1-based): chr17:82,083,078, G>A on the plus strand (C>T on the coding strand, the complement: FASN is on the minus strand). VCF-style: chr17-82083078-G-A. GRCh37 (hg19) VCF-style: chr17-80040954-G-A.
Other names: short protein forms A1868V.
Identifiers: ClinVar variation 1042078 (VCV001042078.8), dbSNP rs1473167770, ClinGen allele CA401535960.

ClinVar aggregate classification (germline): Uncertain significance (1 of 4 stars; one submission).

Conditions:
Epileptic encephalopathy. Identifiers: MedGen C0543888, HP:0200134.

Allele frequency attached by ClinVar (database versions not stated): gnomAD exomes below 0.00001; gnomAD 0.00001.
gnomAD v4.1: 2 of 1,611,370 alleles (0.00012%); highest among the groups gnomAD compares: Admixed American, 0.0017%; no homozygotes.

Submission:

Labcorp Genetics (formerly Invitae), Labcorp
Classification: Uncertain significance for Epileptic encephalopathy. Last evaluated: 2020-10-10. Review status: criteria provided, single submitter. Criteria: Invitae Variant Classification Sherloc (09022015). Collection method: clinical testing. Allele origin: germline.
Comment: In summary, the available evidence is currently insufficient to determine the role of this variant in disease. Therefore, it has been classified as a Variant of Uncertain Significance. Algorithms developed to predict the effect of missense changes on protein structure and function output the following: SIFT: "Tolerated"; PolyPhen-2: "Benign"; Align-GVGD: "Class C0". The valine amino acid residue is found in multiple mammalian species, suggesting that this missense change does not adversely affect protein function. These predictions have not been confirmed by published functional studies and their clinical significance is uncertain. This variant has not been reported in the literature in individuals with FASN-related conditions. This variant is not present in population databases (ExAC no frequency). This sequence change replaces alanine with valine at codon 1868 of the FASN protein (p.Ala1868Val). The alanine residue is weakly conserved and there is a small physicochemical difference between alanine and valine.